The following is an entry in ClinVar:

NM_001267550.2(TTN):c.3309C>A (p.Cys1103Ter)

Gene: TTN (titin; minus strand). Cytogenetic location: 2q31.2.
Variant type: single nucleotide variant.
Coding change: c.3309C>A on transcript NM_001267550.2 (MANE Select); coding-DNA position 3309, C replaced by A.
Protein change: p.Cys1103Ter; replaces cysteine 1103 with a stop codon.
Molecular consequence: nonsense.
Genome position (GRCh38, 1-based): chr2:178,782,283, G>T on the plus strand (C>A on the coding strand, the complement: TTN is on the minus strand). VCF-style: chr2-178782283-G-T. GRCh37 (hg19) VCF-style: chr2-179647010-G-T.
Other names: c.3309C>A, p.Cys1103Ter (NM_001256850.1, NM_133378.4, NM_133379.5); c.3171C>A, p.Cys1057Ter (NM_003319.4, NM_133432.3, NM_133437.4); short protein forms C1103*, C1057*.
Identifiers: ClinVar variation 467025 (VCV000467025.9), dbSNP rs1467686861, ClinGen allele CA349486609.
Genomic context (GRCh38, chr2:178,782,283, plus strand): 5'-GGTTAGAGGAACACCAGATTTTTTCCAGTATACATGGGGCTTTGGGTTGCCGCCAACTTG[G>T]CATCCAAACACCACGCTCCCACCTTCCACCAGTTTCTGGACCACTGGTTTTGTAATAAAG-3'

ClinVar aggregate classification (germline): Likely pathogenic (1 of 4 stars; one submission).

Conditions:
Autosomal recessive limb-girdle muscular dystrophy type 2J (LGMDR10). Also called: Limb-girdle muscular dystrophy, type 2J; MUSCULAR DYSTROPHY, LIMB-GIRDLE, AUTOSOMAL RECESSIVE 10. Identifiers: Orphanet 140922, MedGen C1837342, MONDO:0012127, OMIM 608807.
Dilated cardiomyopathy 1G (CMD1G). Identifiers: Orphanet 154, MedGen C1858763, MONDO:0011400, OMIM 604145.

Submission:

Labcorp Genetics (formerly Invitae), Labcorp
Classification: Likely pathogenic for Dilated cardiomyopathy 1G; Autosomal recessive limb-girdle muscular dystrophy type 2J. Last evaluated: 2024-10-18. Review status: criteria provided, single submitter. Criteria: Invitae Variant Classification Sherloc (09022015). Collection method: clinical testing. Allele origin: germline.
Comment: This sequence change creates a premature translational stop signal (p.Cys1103*) in the TTN gene. While this is not anticipated to result in nonsense mediated decay, it is expected to create a truncated TTN protein. This variant is not present in population databases (gnomAD no frequency). This variant has not been observed in the literature in individuals with autosomal recessive TTN-related conditions. This variant has been reported in individual(s) with autosomal dominant dilated cardiomyopathy (internal data); however, the role of the variant in this condition is currently unclear. ClinVar contains an entry for this variant (Variation ID: 467025). Algorithms developed to predict the effect of sequence changes on RNA splicing suggest that this variant may disrupt the consensus splice site. This variant is located in the Z band of TTN (PMID: 25589632). Truncating variants in this region have been reported in individuals affected with autosomal recessive centronuclear myopathy (PMID: 33449170, internal data). Truncating variants in this region have also been identified in individuals affected with autosomal dominant dilated cardiomyopathy and/or cardio-related conditions (PMID: 27869827, 32964742, internal data). In summary, the currently available evidence indicates that the variant is pathogenic, but additional data are needed to prove that conclusively. Therefore, this variant has been classified as Likely Pathogenic.

Literature cited by the submitters: PubMed 25589632; PubMed 33449170; PubMed 27869827; PubMed 32964742.